The following is an entry in ClinVar:

ClinVar aggregate classification (germline): Uncertain significance (1 of 4 stars; one submission).

Conditions:
Migraine, with or without aura, susceptibility to, 13. Also called: MIGRAINE WITH AURA, SUSCEPTIBILITY TO, 13. Identifiers: MedGen C4225479, MONDO:0013344, OMIM 613656.

Submission:

Center for Human Genetics and Genomic Medicine, Uniklinik Rwth Aachen
Classification: Uncertain significance for Migraine, with or without aura, susceptibility to, 13. Last evaluated: 2021-10-04. Review status: criteria provided, single submitter. Criteria: ACMG Guidelines, 2015. Collection method: clinical testing. Allele origin: germline. Affected: yes.
Comment: So far, the variant has neither been detected in controls nor in patients. In the literature, only one family with autosomal dominant migraine with aura and a truncating mutation in KCNK18 has been reported. The variant is absent from controls. We regard it as a "variant of unknown significance".

NM_181840.1(KCNK18):c.711_718del (p.Gln237fs)

Gene: KCNK18 (potassium two pore domain channel subfamily K member 18; plus strand). Cytogenetic location: 10q25.3.
Variant type: Deletion.
Coding change: c.711_718del on transcript NM_181840.1 (MANE Select); coding-DNA positions 711 to 718, 8 bases deleted (GAACACAC; older notation c.711_718delGAACACAC).
Protein change: p.Gln237fs; shifts the reading frame from glutamine 237.
Molecular consequence: frameshift variant.
Genome position (GRCh38, 1-based): chr10:117,209,855-117,209,862, GAACACAC deleted. VCF-style (leftmost placement, unchanged base first): chr10-117209854-AGAACACAC-A. GRCh37 (hg19) VCF-style: chr10-118969365-AGAACACAC-A.
Other names: short protein forms Q237fs.
Identifiers: ClinVar variation 1299240 (VCV001299240.3), dbSNP rs2133707535, ClinGen allele CA2499220168.